The following is an entry in ClinVar:

NM_017841.4(SDHAF2):c.473T>C (p.Leu158Pro)

Gene: SDHAF2 (succinate dehydrogenase complex assembly factor 2; plus strand). Cytogenetic location: 11q12.2.
Variant type: single nucleotide variant.
Coding change: c.473T>C on transcript NM_017841.4 (MANE Select); coding-DNA position 473, T replaced by C.
Protein change: p.Leu158Pro; replaces leucine 158 with proline.
Molecular consequence: missense variant.
Genome position (GRCh38, 1-based): chr11:61,446,043, T>C. VCF-style: chr11-61446043-T-C. GRCh37 (hg19) VCF-style: chr11-61213515-T-C.
Other names: short protein forms L158P.
Identifiers: ClinVar variation 836314 (VCV000836314.10), dbSNP rs1862133549, ClinGen allele CA380685536.
Genomic context (GRCh38, chr11:61,446,043, plus strand): 5'-CCCTGCTGAGAGACTTTGCTAAAAACAAAAACAAAGAGCAGAGACTGCGTGCCCCAGATC[T>C]TGAGTACCTCTTTGAAAAGCCACGTTGAGCTGTGCTCCACGGCCTGGCATGGGGGTTCAG-3'
Protein context (NP_060311.1, residues 148-166): NKEQRLRAPD[Leu158Pro]EYLFEKPR

ClinVar aggregate classification (germline): Uncertain significance (1 of 4 stars; one submission).

Conditions:
Hereditary pheochromocytoma and paraganglioma. Also called: Hereditary pheochromocytoma-paraganglioma; Hereditary paragangliomas and pheochromocytomas; Hereditary Paraganglioma-Pheochromocytoma Syndromes. Identifiers: Orphanet 29072, MedGen C4274332, MONDO:0017366.

Submission:

Labcorp Genetics (formerly Invitae), Labcorp
Classification: Uncertain significance for Hereditary pheochromocytoma and paraganglioma. Last evaluated: 2019-12-24. Review status: criteria provided, single submitter. Criteria: Invitae Variant Classification Sherloc (09022015). Collection method: clinical testing. Allele origin: germline.
Comment: In summary, the available evidence is currently insufficient to determine the role of this variant in disease. Therefore, it has been classified as a Variant of Uncertain Significance. Algorithms developed to predict the effect of missense changes on protein structure and function are either unavailable or do not agree on the potential impact of this missense change (SIFT: "Deleterious"; PolyPhen-2: "Probably Damaging"; Align-GVGD: "Class C0"). This variant has not been reported in the literature in individuals with SDHAF2-related conditions. This variant is not present in population databases (ExAC no frequency). This sequence change replaces leucine with proline at codon 158 of the SDHAF2 protein (p.Leu158Pro). The leucine residue is highly conserved and there is a moderate physicochemical difference between leucine and proline.